The following is an entry in ClinVar:

NM_001843.4(CNTN1):c.1563C>A (p.Asn521Lys)

Gene: CNTN1 (contactin 1; plus strand). Cytogenetic location: 12q12.
Variant type: single nucleotide variant.
Coding change: c.1563C>A on transcript NM_001843.4 (MANE Select); coding-DNA position 1563, C replaced by A.
Protein change: p.Asn521Lys; replaces asparagine 521 with lysine.
Molecular consequence: missense variant.
Genome position (GRCh38, 1-based): chr12:40,944,050, C>A. VCF-style: chr12-40944050-C-A. GRCh37 (hg19) VCF-style: chr12-41337852-C-A.
Other names: c.1563C>A, p.Asn521Lys (NM_001256063.2, NM_001256064.2); c.1530C>A, p.Asn510Lys (NM_175038.2); short protein forms N521K, N510K.
Identifiers: ClinVar variation 4750545 (VCV004750545.1).

ClinVar aggregate classification (germline): Uncertain significance (1 of 4 stars; one submission).

Conditions:
Compton-North congenital myopathy (CMYO12). Identifiers: Orphanet 210163, MedGen C2675527, MONDO:0012929, OMIM 612540.

gnomAD v4.1: 1 of 1,613,476 alleles (0.000062%); highest among the groups gnomAD compares: Admixed American, 0.0017%; no homozygotes.

Submission:

Labcorp Genetics (formerly Invitae), Labcorp
Classification: Uncertain significance for Compton-North congenital myopathy. Last evaluated: 2025-05-11. Review status: criteria provided, single submitter. Criteria: Invitae Variant Classification Sherloc (09022015). Collection method: clinical testing. Allele origin: germline.
Comment: This sequence change replaces asparagine, which is neutral and polar, with lysine, which is basic and polar, at codon 521 of the CNTN1 protein (p.Asn521Lys). This variant is present in population databases (rs201595623, gnomAD 0.006%). This variant has not been reported in the literature in individuals affected with CNTN1-related conditions. Invitae Evidence Modeling of protein sequence and biophysical properties (such as structural, functional, and spatial information, amino acid conservation, physicochemical variation, residue mobility, and thermodynamic stability) indicates that this missense variant is not expected to disrupt CNTN1 protein function with a negative predictive value of 95%. In summary, the available evidence is currently insufficient to determine the role of this variant in disease. Therefore, it has been classified as a Variant of Uncertain Significance.